The following is an entry in ClinVar:

NM_033380.3(COL4A5):c.2713G>A (p.Gly905Ser)

Gene: COL4A5 (collagen type IV alpha 5 chain; plus strand). Cytogenetic location: Xq22.3.
Variant type: single nucleotide variant.
Coding change: c.2713G>A on transcript NM_033380.3 (MANE Select); coding-DNA position 2713, G replaced by A.
Protein change: p.Gly905Ser; replaces glycine 905 with serine.
Molecular consequence: missense variant.
Genome position (GRCh38, 1-based): chrX:108,621,838, G>A. VCF-style: chrX-108621838-G-A. GRCh37 (hg19) VCF-style: chrX-107865068-G-A.
Other names: c.2713G>A, p.Gly905Ser (NM_000495.5); short protein forms G905S.
Identifiers: ClinVar variation 2188378 (VCV002188378.4), dbSNP rs140753501, ClinGen allele CA334050070.

ClinVar aggregate classification (germline): Likely pathogenic (1 of 4 stars; one submission).

Allele frequency attached by ClinVar (database versions not stated): gnomAD 0.00001; TOPMed 0.00001; ESP Exome Variant Server 0.00009.
gnomAD v4.1: 1 of 1,208,425 alleles (0.000083%); highest among the groups gnomAD compares: Non-Finnish European, 0.00011%; no homozygotes.

Submission:

Labcorp Genetics (formerly Invitae), Labcorp
Classification: Likely pathogenic. Last evaluated: 2024-06-13. Review status: criteria provided, single submitter. Criteria: Invitae Variant Classification Sherloc (09022015). Collection method: clinical testing. Allele origin: germline.
Comment: This sequence change replaces glycine, which is neutral and non-polar, with serine, which is neutral and polar, at codon 905 of the COL4A5 protein (p.Gly905Ser). This variant is not present in population databases (gnomAD no frequency). This variant has not been reported in the literature in individuals affected with COL4A5-related conditions. ClinVar contains an entry for this variant (Variation ID: 2188378). Advanced modeling of protein sequence and biophysical properties (such as structural, functional, and spatial information, amino acid conservation, physicochemical variation, residue mobility, and thermodynamic stability) performed at Invitae indicates that this missense variant is expected to disrupt COL4A5 protein function with a positive predictive value of 95%. This variant disrupts the triple helix domain of COL4A5. Glycine residues within the Gly-Xaa-Yaa repeats of the triple helix domain are required for the structure and stability of fibrillar collagens (PMID: 7695699, 8218237, 19344236). In COL4A5, missense variants at these glycine residues are significantly enriched in individuals with disease (PMID: 23720012, 27627812) compared to the general population (ExAC). In summary, the currently available evidence indicates that the variant is pathogenic, but additional data are needed to prove that conclusively. Therefore, this variant has been classified as Likely Pathogenic.

Literature cited by the submitters: PubMed 7695699; PubMed 8218237; PubMed 19344236; PubMed 23720012; PubMed 27627812.